The following is an entry in ClinVar:

NM_001272046.2(VWA2):c.1095C>T (p.Phe365=)

Genes: AFAP1L2 (actin filament associated protein 1 like 2; minus strand), VWA2 (von Willebrand factor A domain containing 2; plus strand). Cytogenetic location: 10q25.3.
Variant type: single nucleotide variant.
Coding change: c.1095C>T on transcript NM_001272046.2 (MANE Select); coding-DNA position 1095, C replaced by T.
Protein change: p.Phe365=; no amino-acid change (phenylalanine 365 retained).
Molecular consequence: synonymous variant.
Genome position (GRCh38, 1-based): chr10:114,286,036, C>T. VCF-style: chr10-114286036-C-T. GRCh37 (hg19) VCF-style: chr10-116045795-C-T.
Other names: c.1095C>T, p.Phe365= (NM_001320804.1).
Identifiers: ClinVar variation 778416 (VCV000778416.17), dbSNP rs34495685, ClinGen allele CA5700583.

ClinVar aggregate classification (germline): Benign. Review status: criteria provided, multiple submitters, no conflicts (2 of 4 stars). 3 submissions from 3 submitters: Benign (3). Last evaluated 2024-12-01.

Allele frequency attached by ClinVar (database versions not stated): gnomAD 0.00290; 1000 Genomes Project 0.00319; 1000 Genomes Project 30x 0.00344; TOPMed 0.00372; ESP Exome Variant Server 0.00400; ExAC 0.00459; gnomAD exomes 0.00491.
gnomAD v4.1: 7,821 of 1,614,166 alleles (0.48%); highest among the groups gnomAD compares: South Asian, 1%; 37 homozygotes.

Submissions (3):

CeGaT Center for Human Genetics Tuebingen
Classification: Benign. Last evaluated: 2024-12-01. Review status: criteria provided, single submitter. Criteria: CeGaT Center For Human Genetics Tuebingen Variant Classification Criteria Version 2. Collection method: clinical testing. Allele origin: germline. Affected: yes. Observed: 1 variant allele.
Comment: VWA2: BP4, BP7, BS1, BS2

Labcorp Genetics (formerly Invitae), Labcorp
Classification: Benign. Last evaluated: 2018-05-02. Review status: criteria provided, single submitter. Criteria: Invitae Variant Classification Sherloc (09022015). Collection method: clinical testing. Allele origin: germline.

Breakthrough Genomics
Classification: Benign. Review status: criteria provided, single submitter. Criteria: ACMG Guidelines, 2015. Collection method: not provided. Allele origin: germline. Inheritance: Unknown mechanism. Affected: yes.